The following is an entry in ClinVar:

ClinVar aggregate classification (germline): Uncertain significance (1 of 4 stars; one submission).

Conditions:
Rhabdoid tumor predisposition syndrome 2 (RTPS2). Identifiers: Orphanet 231108, Orphanet 69077, MedGen C2750074, MONDO:0013224, OMIM 613325.

gnomAD v4.1: 1 of 1,610,158 alleles (0.000062%); highest among the groups gnomAD compares: Non-Finnish European, 0.000085%; no homozygotes.

Submission:

Labcorp Genetics (formerly Invitae), Labcorp
Classification: Uncertain significance for Rhabdoid tumor predisposition syndrome 2. Last evaluated: 2024-05-27. Review status: criteria provided, single submitter. Criteria: Invitae Variant Classification Sherloc (09022015). Collection method: clinical testing. Allele origin: germline.
Comment: This sequence change replaces glutamine, which is neutral and polar, with leucine, which is neutral and non-polar, at codon 1182 of the SMARCA4 protein (p.Gln1182Leu). This variant is not present in population databases (gnomAD no frequency). This variant has not been reported in the literature in individuals affected with SMARCA4-related conditions. An algorithm developed to predict the effect of missense changes on protein structure and function (PolyPhen-2) suggests that this variant is likely to be disruptive. In summary, the available evidence is currently insufficient to determine the role of this variant in disease. Therefore, it has been classified as a Variant of Uncertain Significance.

NM_003072.5(SMARCA4):c.3545A>T (p.Gln1182Leu)

Gene: SMARCA4 (SWI/SNF related BAF chromatin remodeling complex subunit ATPase 4; plus strand). Cytogenetic location: 19p13.2.
Variant type: single nucleotide variant.
Coding change: c.3545A>T on transcript NM_003072.5 (MANE Select); coding-DNA position 3545, A replaced by T.
Protein change: p.Gln1182Leu; replaces glutamine 1182 with leucine.
Molecular consequence: missense variant. On other transcripts: non-coding transcript variant (1).
Genome position (GRCh38, 1-based): chr19:11,030,892, A>T. VCF-style: chr19-11030892-A-T. GRCh37 (hg19) VCF-style: chr19-11141568-A-T.
Other names: c.3545A>T, p.Gln1182Leu (NM_001128844.3, NM_001128845.2, NM_001128846.2 and 6 more transcripts); short protein forms Q1182L.
Identifiers: ClinVar variation 3654763 (VCV003654763.2).